The following is an entry in ClinVar:

NM_006348.5(COG5):c.2242ATT[3] (p.Ile749dup)

Gene: COG5 (component of oligomeric golgi complex 5; minus strand). Cytogenetic location: 7q22.3.
Variant type: Microsatellite.
Coding change: c.2242ATT[3] on transcript NM_006348.5 (MANE Select); three copies in a row of the 3-base unit ATT starting at c.2242; the reference has two copies in a row; one copy, 3 bases duplicated.
Protein change: p.Ile749dup; duplicates isoleucine 749.
Molecular consequence: inframe insertion. On other transcripts: intron variant (1).
Genome position (GRCh38, 1-based): chr7:107,211,147-107,211,149, AAT duplicated on the plus strand (ATT on the coding strand, the reverse complement: COG5 is on the minus strand); duplicating any 3 consecutive bases within chr7:107,211,147-107,211,152 gives the same sequence; the position shown is the placement nearest the transcript's 3' end. VCF-style (leftmost placement, unchanged base first): chr7-107211146-G-GAAT. GRCh37 (hg19) VCF-style: chr7-106851591-G-GAAT.
Other names: c.2242ATT[3], p.Ile749dup (NM_001161520.2); c.2080ATT[3], p.Ile695dup (NM_001379511.1); c.2068ATT[3], p.Ile691dup (NM_001379512.1); c.1927ATT[3], p.Ile644dup (NM_001379514.1); c.1672ATT[3], p.Ile559dup (NM_001379515.1); c.1528ATT[3], p.Ile511dup (NM_001379516.1); c.2179ATT[3], p.Ile728dup (NM_181733.4); c.2169-7522ATT[3] (NM_001379513.1).
Identifiers: ClinVar variation 932929 (VCV000932929.4), dbSNP rs751641438, ClinGen allele CA4430644.
Genomic context (GRCh38, chr7:107,211,146, plus strand): 5'-CTTTATTTATTACCTGGAAAGGAGATTTCAGTTCAGCGGGTGCTCTCGTGAACAAAAACT[G>GAAT]AATAATGATGCTGAACGGAATCACATCCCCCAATGCAGGACTACTGGCTACATGTTCACT-3'

ClinVar aggregate classification (germline): Likely pathogenic. Review status: criteria provided, single submitter (1 of 4 stars). 2 submissions from 2 submitters: Likely pathogenic (1). 1 of the submissions does not count toward it. Last evaluated 2024-08-11.

Conditions:
COG5-congenital disorder of glycosylation. Also called: CONGENITAL DISORDER OF GLYCOSYLATION, TYPE IIi; CDG IIi; COG5-CDG. Identifiers: Orphanet 263487, MedGen C3150876, MONDO:0013325, OMIM 613612.

Submissions (2):

Labcorp Genetics (formerly Invitae), Labcorp
Classification: Likely pathogenic for COG5-congenital disorder of glycosylation. Last evaluated: 2024-08-11. Review status: criteria provided, single submitter. Criteria: Invitae Variant Classification Sherloc (09022015). Collection method: clinical testing. Allele origin: germline.
Comment: This variant, c.2338_2340dup, results in the insertion of 1 amino acid(s) of the COG5 protein (p.Ile780dup), but otherwise preserves the integrity of the reading frame. This variant is present in population databases (rs751641438, gnomAD 0.003%). This variant has been observed in individual(s) with COG5-CDG (PMID: 23228021, 29878199). ClinVar contains an entry for this variant (Variation ID: 932929). Experimental studies and prediction algorithms are not available or were not evaluated, and the functional significance of this variant is currently unknown. Studies have shown that this variant alters COG5 gene expression (PMID: 23228021). In summary, the currently available evidence indicates that the variant is pathogenic, but additional data are needed to prove that conclusively. Therefore, this variant has been classified as Likely Pathogenic.

OMIM
Classification: Pathogenic for CONGENITAL DISORDER OF GLYCOSYLATION, TYPE IIi. Last evaluated: 2021-01-26. Review status: no assertion criteria provided. Collection method: literature only. Allele origin: germline. Not counted in ClinVar's aggregate classification.

Literature cited by the submitters: PubMed 23228021 (cited by Labcorp Genetics (formerly Invitae), Labcorp and OMIM); PubMed 29878199 (cited by Labcorp Genetics (formerly Invitae), Labcorp).